The following is an entry in ClinVar:

ClinVar aggregate classification (germline): Uncertain significance (1 of 4 stars; one submission).

Conditions:
Kabuki syndrome 2 (KABUK2). Also called: KDM6A-Related Kabuki Syndrome. Identifiers: Orphanet 2322, MedGen C3275495, MONDO:0010465, OMIM 300867.

Submission:

Labcorp Genetics (formerly Invitae), Labcorp
Classification: Uncertain significance for Kabuki syndrome 2. Last evaluated: 2024-03-24. Review status: criteria provided, single submitter. Criteria: Invitae Variant Classification Sherloc (09022015). Collection method: clinical testing. Allele origin: germline.
Comment: This sequence change replaces threonine, which is neutral and polar, with alanine, which is neutral and non-polar, at codon 528 of the KDM6A protein (p.Thr528Ala). This variant is not present in population databases (gnomAD no frequency). This variant has not been reported in the literature in individuals affected with KDM6A-related conditions. Advanced modeling of protein sequence and biophysical properties (such as structural, functional, and spatial information, amino acid conservation, physicochemical variation, residue mobility, and thermodynamic stability) performed at Invitae indicates that this missense variant is not expected to disrupt KDM6A protein function with a negative predictive value of 80%. In summary, the available evidence is currently insufficient to determine the role of this variant in disease. Therefore, it has been classified as a Variant of Uncertain Significance.

NM_001291415.2(KDM6A):c.1738A>G (p.Thr580Ala)

Gene: KDM6A (lysine demethylase 6A; plus strand). Cytogenetic location: Xp11.3.
Variant type: single nucleotide variant.
Coding change: c.1738A>G on transcript NM_001291415.2 (MANE Select); coding-DNA position 1738, A replaced by G.
Protein change: p.Thr580Ala; replaces threonine 580 with alanine.
Molecular consequence: missense variant. On other transcripts: non-coding transcript variant (1).
Genome position (GRCh38, 1-based): chrX:45,063,476, A>G. VCF-style: chrX-45063476-A-G. GRCh37 (hg19) VCF-style: chrX-44922721-A-G.
Other names: c.1345A>G, p.Thr449Ala (NM_001291418.2, NM_001419815.1); c.694A>G, p.Thr232Ala (NM_001291421.2); c.1480A>G, p.Thr494Ala (NM_001410742.1, NM_001419814.1); c.1738A>G, p.Thr580Ala (NM_001419809.1); c.1636A>G, p.Thr546Ala (NM_001419810.1, NM_001419813.1); c.1603A>G, p.Thr535Ala (NM_001419811.1, NM_001291416.2); c.1582A>G, p.Thr528Ala (NM_001419812.1, NM_021140.4); c.1447A>G, p.Thr483Ala (NM_001291417.2); short protein forms T232A, T483A, T494A, T535A, T546A, T449A, T528A, T580A.
Identifiers: ClinVar variation 3703423 (VCV003703423.2).